The following is an entry in ClinVar:

NM_005612.5(REST):c.595A>G (p.Arg199Gly)

Gene: REST (RE1 silencing transcription factor; plus strand). Cytogenetic location: 4q12.
Variant type: single nucleotide variant.
Coding change: c.595A>G on transcript NM_005612.5 (MANE Select); coding-DNA position 595, A replaced by G.
Protein change: p.Arg199Gly; replaces arginine 199 with glycine.
Molecular consequence: missense variant.
Genome position (GRCh38, 1-based): chr4:56,911,233, A>G. VCF-style: chr4-56911233-A-G. GRCh37 (hg19) VCF-style: chr4-57777399-A-G.
Other names: c.595A>G, p.Arg199Gly (NM_001193508.2, NM_001363453.3); short protein forms R199G.
Identifiers: ClinVar variation 849927 (VCV000849927.10), dbSNP rs768565370, ClinGen allele CA2932127.

ClinVar aggregate classification (germline): Uncertain significance. Review status: criteria provided, multiple submitters, no conflicts (2 of 4 stars). 2 submissions from 2 submitters: Uncertain significance (2). Last evaluated 2025-12-22.

Conditions:
Inborn genetic diseases. Identifiers: MedGen C0950123, MeSH D030342.

Allele frequency attached by ClinVar (database versions not stated): gnomAD 0.00001; TOPMed 0.00001; gnomAD exomes 0.00002 and 0.00004; ExAC 0.00004.
gnomAD v4.1: 11 of 1,614,102 alleles (0.00068%); highest among the groups gnomAD compares: Admixed American, 0.017%; no homozygotes.

Submissions (2):

Ambry Genetics
Classification: Uncertain significance for Inborn genetic diseases. Last evaluated: 2025-12-22. Review status: criteria provided, single submitter. Criteria: Ambry Variant Classification Scheme 2023. Collection method: clinical testing. Allele origin: germline.

Labcorp Genetics (formerly Invitae), Labcorp
Classification: Uncertain significance. Last evaluated: 2023-04-25. Review status: criteria provided, single submitter. Criteria: Invitae Variant Classification Sherloc (09022015). Collection method: clinical testing. Allele origin: germline.
Comment: This sequence change replaces arginine, which is basic and polar, with glycine, which is neutral and non-polar, at codon 199 of the REST protein (p.Arg199Gly). In summary, the available evidence is currently insufficient to determine the role of this variant in disease. Therefore, it has been classified as a Variant of Uncertain Significance. An algorithm developed to predict the effect of missense changes on protein structure and function (PolyPhen-2) suggests that this variant is likely to be disruptive. ClinVar contains an entry for this variant (Variation ID: 849927). This variant has not been reported in the literature in individuals affected with REST-related conditions. This variant is present in population databases (rs768565370, gnomAD 0.02%).